The following is an entry in ClinVar:

ClinVar aggregate classification (germline): Uncertain significance (1 of 4 stars; one submission).

Conditions:
Hereditary cancer-predisposing syndrome. Also called: Tumor predisposition; Neoplastic Syndromes, Hereditary; Hereditary neoplastic syndrome; Hereditary Cancer Syndrome. Identifiers: Orphanet 140162, MedGen C0027672, MeSH D009386, MONDO:0015356.

Submission:

Ambry Genetics
Classification: Uncertain significance for Hereditary cancer-predisposing syndrome. Last evaluated: 2025-05-14. Review status: criteria provided, single submitter. Criteria: Ambry Variant Classification Scheme 2023. Collection method: clinical testing. Allele origin: germline.
Comment: The p.A77P variant (also known as c.229G>C), located in coding exon 2 of the CDKN2A (p14ARF) gene, results from a G to C substitution at nucleotide position 229. The alanine at codon 77 is replaced by proline, an amino acid with highly similar properties. This amino acid position is not well conserved in available vertebrate species. In addition, the in silico prediction for this alteration is inconclusive. Based on the available evidence, the clinical significance of this variant remains unclear.

NM_000077.5(CDKN2A):c.186G>C (p.Leu62=)

Gene: CDKN2A (cyclin dependent kinase inhibitor 2A; minus strand). Cytogenetic location: 9p21.3.
Variant type: single nucleotide variant.
Coding change: c.186G>C on transcript NM_000077.5; coding-DNA position 186, G replaced by C.
Protein change: p.Leu62=; no amino-acid change (leucine 62 retained).
Molecular consequence: synonymous variant (on NM_000077.6). On other transcripts: missense variant (1), 3 prime UTR variant (1).
Genome position (GRCh38, 1-based): chr9:21,971,173, C>G on the plus strand (G>C on the coding strand, the complement: CDKN2A is on the minus strand). VCF-style: chr9-21971173-C-G. GRCh37 (hg19) VCF-style: chr9-21971172-C-G.
Other names: c.186G>C, p.Leu62= (NM_000077.6, NM_001195132.2); c.33G>C, p.Leu11= (NM_001363763.2); c.229G>C, p.Ala77Pro (NM_058195.4); c.*109G>C (NM_058197.5); short protein forms A77P.
Identifiers: ClinVar variation 186731 (VCV000186731.4), dbSNP rs730881678, ClinGen allele CA195687.